The following is an entry in ClinVar:

ClinVar aggregate classification (germline): Likely benign (0 of 4 stars; one submission).

Conditions:
DOCK8-related disorder. Also called: DOCK8-related condition.

Allele frequency attached by ClinVar (database versions not stated): TOPMed below 0.00001; gnomAD 0.00001.
gnomAD v4.1: 9 of 1,614,002 alleles (0.00056%); highest among the groups gnomAD compares: South Asian, 0.0022%; no homozygotes.

Submission:

PreventionGenetics, part of Exact Sciences
Classification: Likely benign for DOCK8-related condition. Last evaluated: 2023-12-04. Review status: no assertion criteria provided. Collection method: clinical testing. Allele origin: germline.
Comment: This variant is classified as likely benign based on ACMG/AMP sequence variant interpretation guidelines (Richards et al. 2015 PMID: 25741868, with internal and published modifications).

NM_203447.4(DOCK8):c.6108G>A (p.Thr2036=)

Gene: DOCK8 (dedicator of cytokinesis 8; plus strand). Cytogenetic location: 9p24.3.
Variant type: single nucleotide variant.
Coding change: c.6108G>A on transcript NM_203447.4 (MANE Select); coding-DNA position 6108, G replaced by A.
Protein change: p.Thr2036=; no amino-acid change (threonine 2036 retained).
Molecular consequence: synonymous variant.
Genome position (GRCh38, 1-based): chr9:463,556, G>A. VCF-style: chr9-463556-G-A. GRCh37 (hg19) VCF-style: chr9-463556-G-A.
Other names: c.5808G>A, p.Thr1936= (NM_001190458.2); c.5904G>A, p.Thr1968= (NM_001193536.2).
Identifiers: ClinVar variation 3047358 (VCV003047358.2), dbSNP rs1229902941, ClinGen allele CA463689528.